The following is an entry in ClinVar:

ClinVar aggregate classification (germline): Benign/Likely benign. Review status: criteria provided, multiple submitters, no conflicts (2 of 4 stars). 5 submissions from 5 submitters: Benign (1); Likely benign (4). Last evaluated 2026-01-26.

Conditions:
MYH7-related disorder. Also called: MYH7-related condition; MYH7-related disease; MYH7-related disorders.
Cardiomyopathy (CMYO). Also called: Cardiomyopathies. Identifiers: Orphanet 167848, MedGen C0878544, MONDO:0004994, HP:0001638. Inheritance: Various modes of inheritance.
Hypertrophic cardiomyopathy. Also called: HYPERTROPHIC MYOCARDIOPATHY. Identifiers: Orphanet 217569, MedGen C0007194, MeSH D002312, MONDO:0005045, HP:0001639.

Allele frequency attached by ClinVar (database versions not stated): ExAC 0.00003; gnomAD exomes 0.00003 and 0.00004; TOPMed 0.00007; ESP Exome Variant Server 0.00008; gnomAD 0.00009.
gnomAD v4.1: 73 of 1,613,864 alleles (0.0045%); highest among the groups gnomAD compares: Middle Eastern, 0.017%; no homozygotes.

Submissions (5):

PreventionGenetics, part of Exact Sciences
Classification: Likely benign for MYH7-related condition. Last evaluated: 2026-01-26. Review status: criteria provided, single submitter. Criteria: ACMG Guidelines, 2015. Collection method: clinical testing. Allele origin: germline.
Comment: This variant is classified as likely benign based on ACMG/AMP sequence variant interpretation guidelines (Richards et al. 2015 PMID: 25741868, with internal and published modifications).

Women's Health and Genetics/Laboratory Corporation of America, LabCorp
Classification: Likely benign. Last evaluated: 2025-12-26. Review status: criteria provided, single submitter. Criteria: LabCorp Variant Classification Summary - May 2015. Collection method: clinical testing. Allele origin: germline.

Labcorp Genetics (formerly Invitae), Labcorp
Classification: Likely benign for Hypertrophic cardiomyopathy. Last evaluated: 2025-12-16. Review status: criteria provided, single submitter. Criteria: Invitae Variant Classification Sherloc (09022015). Collection method: clinical testing. Allele origin: germline.

CHEO Genetics Diagnostic Laboratory, Children's Hospital of Eastern Ontario
Classification: Likely benign for Cardiomyopathy. Last evaluated: 2018-02-26. Review status: criteria provided, single submitter. Criteria: ACMG Guidelines, 2015. Collection method: clinical testing. Allele origin: germline.

GeneDx
Classification: Benign. Last evaluated: 2014-02-23. Review status: criteria provided, single submitter. Criteria: GeneDx Variant Classification (06012015). Collection method: clinical testing. Allele origin: germline. Affected: yes.
Comment: This variant is considered likely benign or benign based on one or more of the following criteria: it is a conservative change, it occurs at a poorly conserved position in the protein, it is predicted to be benign by multiple in silico algorithms, and/or has population frequency not consistent with disease.

NM_000257.4(MYH7):c.2679+7C>T

Genes: MYH7 (myosin heavy chain 7; minus strand), LOC126861898 (BRD4-independent group 4 enhancer GRCh37_chr14:23893609-23894808; plus strand). Cytogenetic location: 14q11.2.
Variant type: single nucleotide variant.
Coding change: c.2679+7C>T on transcript NM_000257.4 (MANE Select); 7 bases into the intron after coding-DNA position 2679, C replaced by T.
Molecular consequence: intron variant.
Genome position (GRCh38, 1-based): chr14:23,424,762, G>A on the plus strand (C>T on the coding strand, the complement: MYH7 is on the minus strand). VCF-style: chr14-23424762-G-A. GRCh37 (hg19) VCF-style: chr14-23893971-G-A.
Other names: c.2679+7C>T (LRG_384t1).
Identifiers: ClinVar variation 138375 (VCV000138375.16), dbSNP rs368653983, ClinGen allele CA012819.